The following is an entry in ClinVar:

NM_000152.5(GAA):c.844G>T (p.Asp282Tyr)

Gene: GAA (alpha glucosidase; plus strand). Cytogenetic location: 17q25.3.
Variant type: single nucleotide variant.
Coding change: c.844G>T on transcript NM_000152.5 (MANE Select); coding-DNA position 844, G replaced by T.
Protein change: p.Asp282Tyr; replaces aspartic acid 282 with tyrosine.
Molecular consequence: missense variant.
Genome position (GRCh38, 1-based): chr17:80,107,708, G>T. VCF-style: chr17-80107708-G-T. GRCh37 (hg19) VCF-style: chr17-78081507-G-T.
Other names: c.844G>T, p.Asp282Tyr (NM_001079803.3, NM_001079804.3, NM_001406741.1 and 1 more transcripts); short protein forms D282Y.
Identifiers: ClinVar variation 4876464 (VCV004876464.1).

ClinVar aggregate classification (germline): Uncertain significance (1 of 4 stars; one submission).

Conditions:
Glycogen storage disease, type II (IOPD). Also called: Pompe Disease; CARDIOMEGALIA GLYCOGENICA DIFFUSA; GLYCOGENOSIS, GENERALIZED, CARDIAC FORM; GSD II; POMPE DISEASE, INFANTILE-ONSET; GLYCOGEN STORAGE DISEASE II, INFANTILE-ONSET. Identifiers: Orphanet 365, MedGen C0017921, MONDO:0009290, OMIM 232300.

gnomAD v4.1: 4 of 1,609,884 alleles (0.00025%); highest among the groups gnomAD compares: East Asian, 0.0022%; no homozygotes.

Submission:

Genomenon, Inc
Classification: Uncertain significance for Glycogen storage disease, type II. Last evaluated: 2026-07-01. Review status: criteria provided, single submitter. Criteria: Genomenon Sequence Variant Interpretation Standards - Updated. Collection method: curation. Allele origin: germline. Affected: yes.
Comment: GAA p.Asp282Tyr (c.844G>T) is a missense variant that changes the amino acid at codon 282 from Aspartic acid to Tyrosine. This variant has been observed in at least one proband with a GAA-related disorder (PMID:40225932). The variant is located in a mutational hotspot and/or important functional domain. It is absent or not present at a significant frequency in gnomAD. In silico models predict that this variant is possibly or probably damaging. In conclusion, we classify GAA p.Asp282Tyr (c.844G>T) as a variant of uncertain significance.

Literature cited by the submitters: PubMed 40225932.